The following is an entry in ClinVar:

NM_003721.4(RFXANK):c.241G>A (p.Glu81Lys)

Gene: RFXANK (regulatory factor X associated ankyrin containing protein; plus strand). Cytogenetic location: 19p13.11.
Variant type: single nucleotide variant.
Coding change: c.241G>A on transcript NM_003721.4 (MANE Select); coding-DNA position 241, G replaced by A.
Protein change: p.Glu81Lys; replaces glutamic acid 81 with lysine.
Molecular consequence: missense variant.
Genome position (GRCh38, 1-based): chr19:19,197,016, G>A. VCF-style: chr19-19197016-G-A. GRCh37 (hg19) VCF-style: chr19-19307825-G-A.
Other names: c.241G>A, p.Glu81Lys (NM_001278727.2, NM_001370233.1, NM_001370234.1 and 1 more transcripts); c.238G>A, p.Glu80Lys (NM_001278728.2, NM_001370235.1, NM_001370236.1 and 2 more transcripts); short protein forms E80K, E81K.
Identifiers: ClinVar variation 659981 (VCV000659981.8), dbSNP rs779382779, ClinGen allele CA9322645.
Genomic context (GRCh38, chr19:19,197,016, plus strand): 5'-TTCCCAGCAGGCAGCTCCCTGAAGCACTCCACCACTCTCACCAACCGGCAGCGAGGGAAC[G>A]AGGTGTCAGCTCTGCCGGCCACCCTAGACTGTGAGTGGGCCCACGGTCCCCAACAAGGAG-3'
Protein context (NP_003712.1, residues 71-91): TTLTNRQRGN[Glu81Lys]VSALPATLDS

ClinVar aggregate classification (germline): Uncertain significance (1 of 4 stars; one submission).

Conditions:
MHC class II deficiency. Also called: Bare lymphocyte syndrome 2; BLS, TYPE II. Identifiers: Orphanet 572, MedGen C5447452, MONDO:0008855.

Allele frequency attached by ClinVar (database versions not stated): ExAC 0.00001; gnomAD 0.00001; gnomAD exomes 0.00001 and 0.00002; TOPMed 0.00001.
gnomAD v4.1: 26 of 1,613,460 alleles (0.0016%); highest among the groups gnomAD compares: Non-Finnish European, 0.002%; no homozygotes.

Submission:

Labcorp Genetics (formerly Invitae), Labcorp
Classification: Uncertain significance for MHC class II deficiency. Last evaluated: 2021-08-24. Review status: criteria provided, single submitter. Criteria: Invitae Variant Classification Sherloc (09022015). Collection method: clinical testing. Allele origin: germline.
Comment: This sequence change replaces glutamic acid with lysine at codon 81 of the RFXANK protein (p.Glu81Lys). The glutamic acid residue is highly conserved and there is a small physicochemical difference between glutamic acid and lysine. This variant is present in population databases (rs779382779, ExAC 0.009%). This variant has not been reported in the literature in individuals affected with RFXANK-related conditions. Algorithms developed to predict the effect of missense changes on protein structure and function are either unavailable or do not agree on the potential impact of this missense change (SIFT: "Tolerated"; PolyPhen-2: "Possibly Damaging"; Align-GVGD: "Class C0"). In summary, the available evidence is currently insufficient to determine the role of this variant in disease. Therefore, it has been classified as a Variant of Uncertain Significance.